The following is an entry in ClinVar:

ClinVar aggregate classification (germline): Uncertain significance. Review status: criteria provided, multiple submitters, no conflicts (2 of 4 stars). 2 submissions from 2 submitters: Uncertain significance (2). Last evaluated 2024-03-06.

Conditions:
Lethal congenital glycogen storage disease of heart. Also called: GLYCOGEN STORAGE DISEASE OF HEART; PHOSPHORYLASE KINASE DEFICIENCY OF HEART. Identifiers: Orphanet 439854, MedGen C1849813, MONDO:0009867, OMIM 261740.
Cardiomyopathy (CMYO). Also called: Cardiomyopathies. Identifiers: Orphanet 167848, MedGen C0878544, MONDO:0004994, HP:0001638. Inheritance: Various modes of inheritance.

Submissions (2):

Color Diagnostics, LLC DBA Color Health
Classification: Uncertain significance for Cardiomyopathy. Last evaluated: 2024-03-06. Review status: criteria provided, single submitter. Criteria: ACMG Guidelines, 2015. Collection method: clinical testing. Allele origin: germline.
Comment: This missense variant replaces valine with isoleucine at codon 470 of the PRKAG2 protein. Computational prediction suggests that this variant may not impact protein structure and function (internally defined REVEL score threshold <= 0.5, PMID: 27666373). To our knowledge, functional studies have not been reported for this variant. This variant has not been reported in individuals affected with cardiovascular disorders in the literature. This variant has not been identified in the general population by the Genome Aggregation Database (gnomAD). The available evidence is insufficient to determine the role of this variant in disease conclusively. Therefore, this variant is classified as a Variant of Uncertain Significance.

Labcorp Genetics (formerly Invitae), Labcorp
Classification: Uncertain significance for Lethal congenital glycogen storage disease of heart. Last evaluated: 2022-11-10. Review status: criteria provided, single submitter. Criteria: Invitae Variant Classification Sherloc (09022015). Collection method: clinical testing. Allele origin: germline.
Comment: Experimental studies and prediction algorithms are not available or were not evaluated, and the functional significance of this variant is currently unknown. In summary, the available evidence is currently insufficient to determine the role of this variant in disease. Therefore, it has been classified as a Variant of Uncertain Significance. This sequence change replaces valine, which is neutral and non-polar, with isoleucine, which is neutral and non-polar, at codon 470 of the PRKAG2 protein (p.Val470Ile). Information on the frequency of this variant in the gnomAD database is not available, as this variant may be reported differently in the database. This variant has not been reported in the literature in individuals affected with PRKAG2-related conditions. ClinVar contains an entry for this variant (Variation ID: 920943).

NM_016203.4(PRKAG2):c.1407_1408delinsGA (p.Val470Ile)

Gene: PRKAG2 (protein kinase AMP-activated non-catalytic subunit gamma 2; minus strand). Cytogenetic location: 7q36.1.
Variant type: Indel.
Coding change: c.1407_1408delinsGA on transcript NM_016203.4 (MANE Select); coding-DNA positions 1407 to 1408, TG replaced by GA.
Protein change: p.Val470Ile; replaces valine 470 with isoleucine.
Molecular consequence: missense variant.
Genome position (GRCh38, 1-based): chr7:151,565,375-151,565,376, CA replaced by TC on the plus strand (TG replaced by GA on the coding strand, the reverse complement: PRKAG2 is on the minus strand). VCF-style: chr7-151565375-CA-TC. GRCh37 (hg19) VCF-style: chr7-151262461-CA-TC.
Other names: c.1275_1276delinsGA, p.Val426Ile (NM_001040633.2); c.1032_1033delinsGA, p.Val345Ile (NM_001304527.2); c.684_685delinsGA, p.Val229Ile (NM_001304531.2, NM_024429.2); c.1035_1036delinsGA, p.Val346Ile (NM_001363698.2); short protein forms V426I, V229I, V345I, V346I, V470I.
Identifiers: ClinVar variation 920943 (VCV000920943.9), dbSNP rs1806009426, ClinGen allele CA1139660345.